The following is an entry in ClinVar:

ClinVar aggregate classification (germline): Pathogenic (1 of 4 stars; one submission).

Submission:

Ambry Genetics
Classification: Pathogenic. Last evaluated: 2025-07-29. Review status: criteria provided, single submitter. Criteria: Ambry Variant Classification Scheme 2023. Collection method: clinical testing. Allele origin: germline.
Comment: The c.3199C>T (p.Q1067*) alteration, located in exon 1 (coding exon 1) of the ARHGAP35 gene, consists of a C to T substitution at nucleotide position 3199. This changes the amino acid from a glutamine (Q) to a stop codon at amino acid position 1067. This alteration is expected to result in loss of function by premature protein truncation or nonsense-mediated mRNA decay. This variant was not reported in population-based cohorts in the Genome Aggregation Database (gnomAD). Based on the available evidence, this alteration is classified as pathogenic.

NM_004491.5(ARHGAP35):c.3199C>T (p.Gln1067Ter)

Gene: ARHGAP35 (Rho GTPase activating protein 35; plus strand). Cytogenetic location: 19q13.32.
Variant type: single nucleotide variant.
Coding change: c.3199C>T on transcript NM_004491.5 (MANE Select); coding-DNA position 3199, C replaced by T.
Protein change: p.Gln1067Ter; replaces glutamine 1067 with a stop codon.
Molecular consequence: nonsense.
Genome position (GRCh38, 1-based): chr19:46,921,874, C>T. VCF-style: chr19-46921874-C-T. GRCh37 (hg19) VCF-style: chr19-47425131-C-T.
Other names: short protein forms Q1067*.
Identifiers: ClinVar variation 4136810 (VCV004136810.1).
Genomic context (GRCh38, chr19:46,921,874, plus strand): 5'-GTCCATTTTGAAATTACAAAGGGGGATCTATCTTATTTAGACCAAGGCCATAGGGATGGA[C>T]AGAGGAAGTCTGTGTCTTCTAGCCCCTGGCTGCCTCAGGATGGGTTTGATCCTTCTGACT-3'